The following is an entry in ClinVar:

NM_014141.6(CNTNAP2):c.700G>T (p.Asp234Tyr)

Gene: CNTNAP2 (contactin associated protein 2; plus strand). Cytogenetic location: 7q35.
Variant type: single nucleotide variant.
Coding change: c.700G>T on transcript NM_014141.6 (MANE Select); coding-DNA position 700, G replaced by T.
Protein change: p.Asp234Tyr; replaces aspartic acid 234 with tyrosine.
Molecular consequence: missense variant.
Genome position (GRCh38, 1-based): chr7:147,108,296, G>T. VCF-style: chr7-147108296-G-T. GRCh37 (hg19) VCF-style: chr7-146805388-G-T.
Other names: short protein forms D234Y.
Identifiers: ClinVar variation 450928 (VCV000450928.12), dbSNP rs867768148, ClinGen allele CA369923251.
Genomic context (GRCh38, chr7:147,108,296, plus strand): 5'-TTGAACTTTAAGACGTCTGAAAGTGAAGGAGTAATCCTGCACGGAGAAGGACAGCAAGGA[G>T]ATTACATTACCTTGGAACTGAAAAAAGCCAAGCTGGTCCTCAGTTTAAACTTAGGTGTGT-3'
Protein context (NP_054860.1, residues 224-244): VILHGEGQQG[Asp234Tyr]YITLELKKAK

ClinVar aggregate classification (germline): Uncertain significance. Review status: criteria provided, multiple submitters, no conflicts (2 of 4 stars). 4 submissions from 4 submitters: Uncertain significance (4). Last evaluated 2025-06-11.

Conditions:
Inborn genetic diseases. Identifiers: MedGen C0950123, MeSH D030342.
Cortical dysplasia-focal epilepsy syndrome (PTHSL1). Also called: Pitt-Hopkins-like syndrome 1. Identifiers: Orphanet 163681, Orphanet 221150, MedGen C2750246, MONDO:0012400, OMIM 610042.

Allele frequency attached by ClinVar (database versions not stated): TOPMed 0.00001; gnomAD 0.00001.
gnomAD v4.1: 4 of 1,613,630 alleles (0.00025%); highest among the groups gnomAD compares: Admixed American, 0.0067%; no homozygotes.

Submissions (4):

GeneDx
Classification: Uncertain significance. Last evaluated: 2025-06-11. Review status: criteria provided, single submitter. Criteria: GeneDx Variant Classification Process June 2021. Collection method: clinical testing. Allele origin: germline. Affected: yes.
Comment: Not observed at significant frequency in large population cohorts (gnomAD); In silico analysis supports that this missense variant has a deleterious effect on protein structure/function; Has not been previously published as pathogenic or benign to our knowledge

Ambry Genetics
Classification: Uncertain significance for Inborn genetic diseases. Last evaluated: 2025-04-04. Review status: criteria provided, single submitter. Criteria: Ambry Variant Classification Scheme 2023. Collection method: clinical testing. Allele origin: germline.
Comment: The c.700G>T (p.D234Y) alteration is located in exon 5 (coding exon 5) of the CNTNAP2 gene. This alteration results from a G to T substitution at nucleotide position 700, causing the aspartic acid (D) at amino acid position 234 to be replaced by a tyrosine (Y). Based on data from gnomAD, the T allele has an overall frequency of <0.001% (1/251122) total alleles studied. The highest observed frequency was 0.003% (1/34476) of Latino alleles. This amino acid position is highly conserved in available vertebrate species. This alteration is predicted to be deleterious by in silico analysis. Based on insufficient or conflicting evidence, the clinical significance of this alteration remains unclear.

Greenwood Genetic Center Diagnostic Laboratories, Greenwood Genetic Center
Classification: Uncertain significance. Last evaluated: 2023-11-15. Review status: criteria provided, single submitter. Criteria: ACMG Guidelines, 2015. Collection method: clinical testing. Allele origin: germline. Affected: yes.
Comment: PM2, PP3

Labcorp Genetics (formerly Invitae), Labcorp
Classification: Uncertain significance for Cortical dysplasia-focal epilepsy syndrome. Last evaluated: 2022-10-13. Review status: criteria provided, single submitter. Criteria: Invitae Variant Classification Sherloc (09022015). Collection method: clinical testing. Allele origin: germline.
Comment: This sequence change replaces aspartic acid, which is acidic and polar, with tyrosine, which is neutral and polar, at codon 234 of the CNTNAP2 protein (p.Asp234Tyr). This variant is present in population databases (no rsID available, gnomAD 0.003%). This missense change has been observed in individual(s) with clinical features of CNTNAP2-related conditions (Invitae). ClinVar contains an entry for this variant (Variation ID: 450928). Algorithms developed to predict the effect of missense changes on protein structure and function are either unavailable or do not agree on the potential impact of this missense change (SIFT: "Deleterious"; PolyPhen-2: "Probably Damaging"; Align-GVGD: "Class C0"). In summary, the available evidence is currently insufficient to determine the role of this variant in disease. Therefore, it has been classified as a Variant of Uncertain Significance.